The following is an entry in ClinVar:

NM_006019.4(TCIRG1):c.2475C>T (p.Phe825=)

Gene: TCIRG1 (T cell immune regulator 1, ATPase H+ transporting V0 subunit a3; plus strand). Cytogenetic location: 11q13.2.
Variant type: single nucleotide variant.
Coding change: c.2475C>T on transcript NM_006019.4 (MANE Select); coding-DNA position 2475, C replaced by T.
Protein change: p.Phe825=; no amino-acid change (phenylalanine 825 retained).
Molecular consequence: synonymous variant.
Genome position (GRCh38, 1-based): chr11:68,050,801, C>T. VCF-style: chr11-68050801-C-T. GRCh37 (hg19) VCF-style: chr11-67818268-C-T.
Other names: c.1581C>T, p.Phe527= (NM_001351059.2); c.1827C>T, p.Phe609= (NM_006053.4); c.2475C>T (NM_006019.3).
Identifiers: ClinVar variation 1121535 (VCV001121535.12), dbSNP rs886048602, ClinGen allele CA224213925.

ClinVar aggregate classification (germline): Likely benign. Review status: criteria provided, single submitter (1 of 4 stars). 2 submissions from 2 submitters: Likely benign (1). 1 of the submissions does not count toward it. Last evaluated 2023-09-04.

Conditions:
TCIRG1-related disorder. Also called: TCIRG1-related condition.

Allele frequency attached by ClinVar (database versions not stated): gnomAD exomes below 0.00001; gnomAD 0.00001; TOPMed 0.00001.
gnomAD v4.1: 15 of 1,613,498 alleles (0.00093%); highest among the groups gnomAD compares: African/African-American, 0.0027%; no homozygotes.

Submissions (2):

Labcorp Genetics (formerly Invitae), Labcorp
Classification: Likely benign. Last evaluated: 2023-09-04. Review status: criteria provided, single submitter. Criteria: Invitae Variant Classification Sherloc (09022015). Collection method: clinical testing. Allele origin: germline.

PreventionGenetics, part of Exact Sciences
Classification: Likely benign for TCIRG1-related condition. Last evaluated: 2023-09-27. Review status: no assertion criteria provided. Collection method: clinical testing. Allele origin: germline. Not counted in ClinVar's aggregate classification.
Comment: This variant is classified as likely benign based on ACMG/AMP sequence variant interpretation guidelines (Richards et al. 2015 PMID: 25741868, with internal and published modifications).